The following is an entry in ClinVar:

ClinVar aggregate classification (germline): Uncertain significance. Review status: criteria provided, multiple submitters, no conflicts (2 of 4 stars). 4 submissions from 4 submitters: Uncertain significance (4). Last evaluated 2026-07-31.

Conditions:
Familial thoracic aortic aneurysm and aortic dissection (TAAD). Also called: Thoracic aortic aneurysms and dissections. Identifiers: Orphanet 91387, MedGen C4707243, MONDO:0019625.

Allele frequency attached by ClinVar (database versions not stated): gnomAD exomes below 0.00001; TOPMed below 0.00001.
gnomAD v4.1: 2 of 1,614,074 alleles (0.00012%); highest among the groups gnomAD compares: Non-Finnish European, 0.000085%; no homozygotes.

Submissions (4):

Ambry Genetics
Classification: Uncertain significance for Familial thoracic aortic aneurysm and aortic dissection. Last evaluated: 2026-07-31. Review status: criteria provided, single submitter. Criteria: Ambry Variant Classification Scheme 2023. Collection method: clinical testing. Allele origin: germline.
Comment: The p.M212T variant (also known as c.635T>C), located in coding exon 5 of the SMAD3 gene, results from a T to C substitution at nucleotide position 635. The methionine at codon 212 is replaced by threonine, an amino acid with similar properties. This amino acid position is conserved. In addition, this alteration is predicted to be deleterious by in silico analysis. Based on the available evidence, the clinical significance of this variant remains unclear.

Color Diagnostics, LLC DBA Color Health
Classification: Uncertain significance for Familial thoracic aortic aneurysm and aortic dissection. Last evaluated: 2025-05-21. Review status: criteria provided, single submitter. Criteria: ACMG Guidelines, 2015. Collection method: clinical testing. Allele origin: germline.
Comment: This missense variant replaces methionine with threonine at codon 212 of the SMAD3 protein. Computational prediction suggests that this variant may not impact protein structure and function. To our knowledge, functional studies have not been reported for this variant. This variant has not been reported in individuals affected with SMAD3-related disorders in the literature. This variant has not been identified in the general population by the Genome Aggregation Database (gnomAD). The available evidence is insufficient to determine the role of this variant in disease conclusively. Therefore, this variant is classified as a Variant of Uncertain Significance.

Blueprint Genetics
Classification: Uncertain significance. Last evaluated: 2024-10-07. Review status: criteria provided, single submitter. Criteria: ACMG Guidelines, 2015. Collection method: clinical testing. Allele origin: germline.

Labcorp Genetics (formerly Invitae), Labcorp
Classification: Uncertain significance for Familial thoracic aortic aneurysm and aortic dissection. Last evaluated: 2023-12-20. Review status: criteria provided, single submitter. Criteria: Invitae Variant Classification Sherloc (09022015). Collection method: clinical testing. Allele origin: germline.
Comment: This sequence change replaces methionine, which is neutral and non-polar, with threonine, which is neutral and polar, at codon 212 of the SMAD3 protein (p.Met212Thr). This variant is not present in population databases (gnomAD no frequency). This variant has not been reported in the literature in individuals affected with SMAD3-related conditions. Advanced modeling of protein sequence and biophysical properties (such as structural, functional, and spatial information, amino acid conservation, physicochemical variation, residue mobility, and thermodynamic stability) performed at Invitae indicates that this missense variant is not expected to disrupt SMAD3 protein function with a negative predictive value of 80%. In summary, the available evidence is currently insufficient to determine the role of this variant in disease. Therefore, it has been classified as a Variant of Uncertain Significance.

NM_005902.4(SMAD3):c.635T>C (p.Met212Thr)

Gene: SMAD3 (SMAD family member 3; plus strand). Cytogenetic location: 15q22.33.
Variant type: single nucleotide variant.
Coding change: c.635T>C on transcript NM_005902.4 (MANE Select); coding-DNA position 635, T replaced by C.
Protein change: p.Met212Thr; replaces methionine 212 with threonine.
Molecular consequence: missense variant.
Genome position (GRCh38, 1-based): chr15:67,170,581, T>C. VCF-style: chr15-67170581-T-C. GRCh37 (hg19) VCF-style: chr15-67462919-T-C.
Other names: c.635T>C (NM_005902.3); c.320T>C, p.Met107Thr (NM_001145102.2, NM_001407016.1); c.503T>C, p.Met168Thr (NM_001145103.2, NM_001407012.1); c.50T>C, p.Met17Thr (NM_001145104.2, NM_001407017.1); c.635T>C, p.Met212Thr (NM_001407011.1, NM_001407013.1); c.488T>C, p.Met163Thr (NM_001407014.1); c.188T>C, p.Met63Thr (NM_001407015.1); short protein forms M17T, M212T, M107T, M163T, M168T, M63T.
Identifiers: ClinVar variation 2877173 (VCV002877173.6), dbSNP rs1962721305, ClinGen allele CA392955040.